The following is an entry in ClinVar:

ClinVar aggregate classification (germline): Uncertain significance (1 of 4 stars; one submission).

Allele frequency attached by ClinVar (database versions not stated): TOPMed below 0.00001; ExAC 0.00003.
gnomAD v4.1: 4 of 1,559,420 alleles (0.00026%); no homozygotes.

Submission:

Labcorp Genetics (formerly Invitae), Labcorp
Classification: Uncertain significance. Last evaluated: 2022-09-01. Review status: criteria provided, single submitter. Criteria: Invitae Variant Classification Sherloc (09022015). Collection method: clinical testing. Allele origin: germline.
Comment: In summary, the available evidence is currently insufficient to determine the role of this variant in disease. Therefore, it has been classified as a Variant of Uncertain Significance. Algorithms developed to predict the effect of sequence changes on RNA splicing suggest that this variant may create or strengthen a splice site. This variant has not been reported in the literature in individuals affected with DLL1-related conditions. This variant is present in population databases (rs780333054, gnomAD 0.02%). This sequence change falls in intron 8 of the DLL1 gene. It does not directly change the encoded amino acid sequence of the DLL1 protein.

NM_005618.4(DLL1):c.1250-10T>G

Gene: DLL1 (delta like canonical Notch ligand 1; minus strand). Cytogenetic location: 6q27.
Variant type: single nucleotide variant.
Coding change: c.1250-10T>G on transcript NM_005618.4 (MANE Select); 10 bases into the intron before coding-DNA position 1250, T replaced by G.
Molecular consequence: intron variant.
Genome position (GRCh38, 1-based): chr6:170,284,039, A>C on the plus strand (T>G on the coding strand, the complement: DLL1 is on the minus strand). VCF-style: chr6-170284039-A-C. GRCh37 (hg19) VCF-style: chr6-170593127-A-C.
Identifiers: ClinVar variation 2181934 (VCV002181934.4), dbSNP rs780333054, ClinGen allele CA4106879.